The following is an entry in ClinVar:

NM_004525.3(LRP2):c.6035G>A (p.Arg2012Lys)

Gene: LRP2 (LDL receptor related protein 2; minus strand). Cytogenetic location: 2q31.1.
Variant type: single nucleotide variant.
Coding change: c.6035G>A on transcript NM_004525.3 (MANE Select); coding-DNA position 6035, G replaced by A.
Protein change: p.Arg2012Lys; replaces arginine 2012 with lysine.
Molecular consequence: missense variant.
Genome position (GRCh38, 1-based): chr2:169,213,662, C>T on the plus strand (G>A on the coding strand, the complement: LRP2 is on the minus strand). VCF-style: chr2-169213662-C-T. GRCh37 (hg19) VCF-style: chr2-170070172-C-T.
Other names: short protein forms R2012K.
Identifiers: ClinVar variation 259419 (VCV000259419.19), dbSNP rs4667596, ClinGen allele CA1954393.

ClinVar aggregate classification (germline): Benign. Review status: criteria provided, multiple submitters, no conflicts (2 of 4 stars). 7 submissions from 7 submitters: Benign (7). Last evaluated 2026-02-04.

Conditions:
Donnai-Barrow syndrome. Also called: FACIOOCULOACOUSTICORENAL SYNDROME; DBS/FOAR SYNDROME. Identifiers: Orphanet 2143, MedGen C1857277, MONDO:0009104, OMIM 222448.

Allele frequency attached by ClinVar (database versions not stated): ESP Exome Variant Server 0.01469; gnomAD 0.01732 and 0.01826; TOPMed 0.02080; gnomAD exomes 0.02139 and 0.02643; ExAC 0.02340; 1000 Genomes Project 0.02696; 1000 Genomes Project 30x 0.02748.
gnomAD v4.1: 34,030 of 1,611,600 alleles (2.1%); highest among the groups gnomAD compares: Admixed American, 7.8%; 650 homozygotes.

Submissions (7):

Labcorp Genetics (formerly Invitae), Labcorp
Classification: Benign. Last evaluated: 2026-02-04. Review status: criteria provided, single submitter. Criteria: Invitae Variant Classification Sherloc (09022015). Collection method: clinical testing. Allele origin: germline.

Mayo Clinic Laboratories, Mayo Clinic
Classification: Benign. Last evaluated: 2022-11-10. Review status: criteria provided, single submitter. Criteria: ACMG Guidelines, 2015. Collection method: clinical testing. Allele origin: germline. Observed: 9 variant alleles.

Genome-Nilou Lab
Classification: Benign for Donnai-Barrow syndrome. Last evaluated: 2021-07-15. Review status: criteria provided, single submitter. Criteria: ACMG Guidelines, 2015. Collection method: clinical testing. Allele origin: germline. Affected: no.

Illumina Laboratory Services, Illumina
Classification: Benign for Donnai-Barrow syndrome. Last evaluated: 2018-01-13. Review status: criteria provided, single submitter. Criteria: ICSL Variant Classification Criteria 13 December 2019. Collection method: clinical testing. Allele origin: germline.
Comment: This variant was observed in the ICSL laboratory as part of a predisposition screen in an ostensibly healthy population. It had not been previously curated by ICSL or reported in the Human Gene Mutation Database (HGMD: prior to June 1st, 2018), and was therefore a candidate for classification through an automated scoring system. Utilizing variant allele frequency, disease prevalence and penetrance estimates, and inheritance mode, an automated score was calculated to assess if this variant is too frequent to cause the disease. Based on the score and internal cut-off values, a variant classified as benign is not then subjected to further curation. The score for this variant resulted in a classification of benign for this disease.

GeneDx
Classification: Benign. Last evaluated: 2015-03-03. Review status: criteria provided, single submitter. Criteria: GeneDx Variant Classification Process June 2021. Collection method: clinical testing. Allele origin: germline. Affected: yes.

Breakthrough Genomics
Classification: Benign. Review status: criteria provided, single submitter. Criteria: ACMG Guidelines, 2015. Collection method: not provided. Allele origin: germline. Inheritance: Autosomal recessive inheritance. Affected: yes.

PreventionGenetics, part of Exact Sciences
Classification: Benign. Review status: criteria provided, single submitter. Criteria: ACMG Guidelines, 2015. Collection method: clinical testing. Allele origin: germline.